The following is an entry in ClinVar:

NM_000113.3(TOR1A):c.866G>A (p.Gly289Asp)

Gene: TOR1A (torsin family 1 member A; minus strand). Cytogenetic location: 9q34.11.
Variant type: single nucleotide variant.
Coding change: c.866G>A on transcript NM_000113.3 (MANE Select); coding-DNA position 866, G replaced by A.
Protein change: p.Gly289Asp; replaces glycine 289 with aspartic acid.
Molecular consequence: missense variant.
Genome position (GRCh38, 1-based): chr9:129,814,105, C>T on the plus strand (G>A on the coding strand, the complement: TOR1A is on the minus strand). VCF-style: chr9-129814105-C-T. GRCh37 (hg19) VCF-style: chr9-132576384-C-T.
Other names: short protein forms G289D.
Identifiers: ClinVar variation 653047 (VCV000653047.8), dbSNP rs771733739, ClinGen allele CA5278518.

ClinVar aggregate classification (germline): Uncertain significance (1 of 4 stars; one submission).

Conditions:
Dystonic disorder. Also called: Dystonia. Identifiers: MedGen C0013421, MONDO:0003441, HP:0001332.

Allele frequency attached by ClinVar (database versions not stated): TOPMed below 0.00001; ExAC 0.00001.

Submission:

Labcorp Genetics (formerly Invitae), Labcorp
Classification: Uncertain significance for Dystonic disorder. Last evaluated: 2018-12-17. Review status: criteria provided, single submitter. Criteria: Invitae Variant Classification Sherloc (09022015). Collection method: clinical testing. Allele origin: germline.
Comment: The frequency data for this variant in the population databases is considered unreliable, as metrics indicate poor data quality at this position in the ExAC database. In summary, the available evidence is currently insufficient to determine the role of this variant in disease. Therefore, it has been classified as a Variant of Uncertain Significance. Algorithms developed to predict the effect of missense changes on protein structure and function are either unavailable or do not agree on the potential impact of this missense change (SIFT: "Tolerated"; PolyPhen-2: "Probably Damaging"; Align-GVGD: "Class C0"). This variant has not been reported in the literature in individuals with TOR1A-related disease. This sequence change replaces glycine with aspartic acid at codon 289 of the TOR1A protein (p.Gly289Asp). The glycine residue is highly conserved and there is a moderate physicochemical difference between glycine and aspartic acid.